The following is an entry in ClinVar:

ClinVar aggregate classification (germline): Uncertain significance (1 of 4 stars; one submission).

Submission:

Labcorp Genetics (formerly Invitae), Labcorp
Classification: Uncertain significance. Last evaluated: 2025-12-22. Review status: criteria provided, single submitter. Criteria: Invitae Variant Classification Sherloc (09022015). Collection method: clinical testing. Allele origin: germline.
Comment: This sequence change disrupts the translational stop signal of the MNX1 mRNA. It is expected to extend the length of the MNX1 protein by 70 additional amino acid residues. This variant is not present in population databases (gnomAD no frequency). This variant has not been reported in the literature in individuals affected with MNX1-related conditions. Experimental studies and prediction algorithms are not available or were not evaluated, and the functional significance of this variant is currently unknown. In summary, the available evidence is currently insufficient to determine the role of this variant in disease. Therefore, it has been classified as a Variant of Uncertain Significance.

NM_005515.4(MNX1):c.1185_1203dup (p.Ter402ProextTer?)

Gene: MNX1 (motor neuron and pancreas homeobox 1; minus strand). Cytogenetic location: 7q36.3.
Variant type: Duplication.
Coding change: c.1185_1203dup on transcript NM_005515.4 (MANE Select); coding-DNA positions 1185 to 1203, 19 bases duplicated (CCACCAGCCCGCGCCCCAG).
Protein change: p.Ter402ProextTer?.
Molecular consequence: frameshift variant, stop lost.
Genome position (GRCh38, 1-based): chr7:157,005,523-157,005,541, CTGGGGCGCGGGCTGGTGG duplicated on the plus strand (CCACCAGCCCGCGCCCCAG on the coding strand, the reverse complement: MNX1 is on the minus strand); duplicating any 19 consecutive bases within chr7:157,005,523-157,005,546 gives the same sequence; the c. name uses the placement nearest the transcript's 3' end. VCF-style (leftmost placement, unchanged base first): chr7-157005522-A-ACTGGGGCGCGGGCTGGTGG. GRCh37 (hg19) VCF-style: chr7-156798216-A-ACTGGGGCGCGGGCTGGTGG.
Other names: c.549_567dup, p.Ter190ProextTer? (NM_001165255.2).
Identifiers: ClinVar variation 4714157 (VCV004714157.1).
Genomic context (GRCh38, chr7:157,005,522, plus strand): 5'-GGAGAAGCCGCCGGCCGGGGCGCTCCGTGCGCGCCGCACCTGCTGGGCCGCGGGGCTCCT[A>ACTGGGGCGCGGGCTGGTGG]CTGGGGCGCGGGCTGGTGGCTGGGCCGCGGGGGCGGCGAGTCGTCCTCCGAGGAGCAGTC-3'